The following is an entry in ClinVar:

ClinVar aggregate classification (germline): Conflicting classifications of pathogenicity. Review status: criteria provided, conflicting classifications (1 of 4 stars). 9 submissions from 9 submitters: Uncertain significance (7); Benign (1). 1 of the submissions does not count toward it. Last evaluated 2026-09-21.

Conditions:
SACS-related disorder. Also called: SACS-related condition.
Spastic paraplegia. Identifiers: MedGen C0037772, HP:0001258.
Hereditary spastic paraplegia. Also called: Familial spastic paraparesis. Identifiers: Orphanet 685, MedGen C0037773, MONDO:0019064. Disease mechanism: loss of function.
Charlevoix-Saguenay spastic ataxia (SACS). Also called: SPASTIC ATAXIA 6, AUTOSOMAL RECESSIVE; AUTOSOMAL RECESSIVE SPASTIC ATAXIA OF CHARLEVOIX-SAGUENAY; Spastic ataxia of Charlevoix-Saguenay. Identifiers: Orphanet 98, MedGen C1849140, MONDO:0010041, OMIM 270550.

Allele frequency attached by ClinVar (database versions not stated): gnomAD exomes 0.00002 and 0.00004; ExAC 0.00003; gnomAD 0.00011 and 0.00012; TOPMed 0.00013; ESP Exome Variant Server 0.00015.
gnomAD v4.1: 38 of 1,613,778 alleles (0.0024%); highest among the groups gnomAD compares: Admixed American, 0.025%; 1 homozygote.

Submissions (9):

PreventionGenetics, part of Exact Sciences
Classification: Uncertain significance for SACS-related condition. Last evaluated: 2026-09-21. Review status: criteria provided, single submitter. Criteria: ACMG Guidelines, 2015. Collection method: clinical testing. Allele origin: germline.
Comment: The SACS c.4900G>C variant is predicted to result in the amino acid substitution p.Glu1634Gln. This variant was reported in the compound heterozygous state in an individual with hereditary spastic paraplegia (HSP; Suppl Table 3, Assaedi et al. 2025. PubMed ID: 40322871). This variant is reported in 0.032% of alleles in individuals of African descent in gnomAD. At this time, the clinical significance of this variant is uncertain due to the absence of conclusive functional and genetic evidence.

Myriad Genetics, Inc.
Classification: Uncertain significance for Charlevoix-Saguenay spastic ataxia. Last evaluated: 2026-05-06. Review status: criteria provided, single submitter. Criteria: Myriad Autosomal Dominant, Autosomal Recessive and X-Linked Classification Criteria (2023). Collection method: clinical testing. Allele origin: unknown.
Comment: NM_014363.4(SACS):c.4900G>C(E1634Q) is a missense variant classified as a variant of uncertain significance in the context of autosomal recessive spastic ataxia of Charlevoix-Saguenay. E1634Q has been observed in a case with relevant disease (PMID: 40322871). Relevant functional assessments of this variant are not available in the literature. E1634Q has been observed in referenced population frequency databases. In summary, there is insufficient evidence to classify NM_014363.4(SACS):c.4900G>C(E1634Q) as pathogenic or benign. Please note: this variant was assessed in the context of healthy population screening.

Labcorp Genetics (formerly Invitae), Labcorp
Classification: Benign for Spastic paraplegia. Last evaluated: 2025-12-15. Review status: criteria provided, single submitter. Criteria: Invitae Variant Classification Sherloc (09022015). Collection method: clinical testing. Allele origin: germline.

Blueprint Genetics
Classification: Uncertain significance. Last evaluated: 2024-11-25. Review status: criteria provided, single submitter. Criteria: ACMG Guidelines, 2015. Collection method: clinical testing. Allele origin: germline.

Genome-Nilou Lab
Classification: Uncertain significance for Charlevoix-Saguenay spastic ataxia. Last evaluated: 2021-09-05. Review status: criteria provided, single submitter. Criteria: ACMG Guidelines, 2015. Collection method: clinical testing. Allele origin: germline. Affected: no.

Fulgent Genetics
Classification: Uncertain significance for Charlevoix-Saguenay spastic ataxia. Last evaluated: 2018-10-31. Review status: criteria provided, single submitter. Criteria: ACMG Guidelines, 2015. Collection method: clinical testing. Allele origin: unknown.

Genome Diagnostics Laboratory, The Hospital for Sick Children
Classification: Uncertain significance for Hereditary spastic paraplegia. Last evaluated: 2017-11-01. Review status: criteria provided, single submitter. Criteria: ACMG Guidelines, 2015. Collection method: clinical testing. Allele origin: germline. Affected: yes.

Genetic Services Laboratory, University of Chicago
Classification: Uncertain significance. Last evaluated: 2017-04-06. Review status: criteria provided, single submitter. Criteria: ACMG Guidelines, 2015. Collection method: clinical testing. Allele origin: germline. Affected: no.

Natera, Inc.
Classification: Uncertain significance for Charlevoix-Saguenay type spastic ataxia. Last evaluated: 2020-03-17. Review status: no assertion criteria provided. Collection method: clinical testing. Allele origin: germline. Not counted in ClinVar's aggregate classification.

Literature cited by the submitters: PubMed 40322871 (cited by Myriad Genetics, Inc.).

NM_014363.6(SACS):c.4900G>C (p.Glu1634Gln)

Gene: SACS (sacsin molecular chaperone; minus strand). Cytogenetic location: 13q12.12.
Variant type: single nucleotide variant.
Coding change: c.4900G>C on transcript NM_014363.6 (MANE Select); coding-DNA position 4900, G replaced by C.
Protein change: p.Glu1634Gln; replaces glutamic acid 1634 with glutamine.
Molecular consequence: missense variant.
Genome position (GRCh38, 1-based): chr13:23,338,976, C>G on the plus strand (G>C on the coding strand, the complement: SACS is on the minus strand). VCF-style: chr13-23338976-C-G. GRCh37 (hg19) VCF-style: chr13-23913115-C-G.
Other names: c.4459G>C, p.Glu1487Gln (NM_001278055.2); short protein forms E1634Q, E1487Q.
Identifiers: ClinVar variation 436632 (VCV000436632.23), dbSNP rs143961484, ClinGen allele CA6911327.